The following is an entry in ClinVar:

ClinVar aggregate classification (germline): Uncertain significance (1 of 4 stars; one submission).

Conditions:
Immunodeficiency 23 (IMD23). Also called: IMMUNODEFICIENCY WITH HYPER IgE AND COGNITIVE IMPAIRMENT; IMMUNODEFICIENCY-VASCULITIS-MYOCLONUS SYNDROME. Identifiers: Orphanet 443811, MedGen C4014371, MONDO:0014353, OMIM 615816.

gnomAD v4.1: 2 of 1,614,060 alleles (0.00012%); highest among the groups gnomAD compares: Non-Finnish European, 0.00017%; no homozygotes.

Submission:

Labcorp Genetics (formerly Invitae), Labcorp
Classification: Uncertain significance for Immunodeficiency 23. Last evaluated: 2020-01-28. Review status: criteria provided, single submitter. Criteria: Invitae Variant Classification Sherloc (09022015). Collection method: clinical testing. Allele origin: germline.
Comment: This sequence change replaces arginine with methionine at codon 565 of the PGM3 protein (p.Arg565Met). The arginine residue is weakly conserved and there is a moderate physicochemical difference between arginine and methionine. This variant is not present in population databases (ExAC no frequency). This variant has not been reported in the literature in individuals with PGM3-related disease. Algorithms developed to predict the effect of missense changes on protein structure and function (SIFT, PolyPhen-2, Align-GVGD) all suggest that this variant is likely to be tolerated, but these predictions have not been confirmed by published functional studies and their clinical significance is uncertain. In summary, the available evidence is currently insufficient to determine the role of this variant in disease. Therefore, it has been classified as a Variant of Uncertain Significance.

NM_015599.3(PGM3):c.1610G>T (p.Arg537Met)

Genes: DOP1A (DOP1 leucine zipper like protein A; plus strand), PGM3 (phosphoglucomutase 3; minus strand). Cytogenetic location: 6q14.1.
Variant type: single nucleotide variant.
Coding change: c.1610G>T on transcript NM_015599.3 (MANE Select); coding-DNA position 1610, G replaced by T.
Protein change: p.Arg537Met; replaces arginine 537 with methionine.
Molecular consequence: missense variant. On other transcripts: 3 prime UTR variant (1), non-coding transcript variant (1).
Genome position (GRCh38, 1-based): chr6:83,169,253, C>A on the plus strand (G>T on the coding strand, the complement: PGM3 is on the minus strand). VCF-style: chr6-83169253-C-A. GRCh37 (hg19) VCF-style: chr6-83878972-C-A.
Other names: c.1694G>T, p.Arg565Met (NM_001199917.2, NM_001367287.1); c.*45G>T (NM_001199918.2); c.1610G>T, p.Arg537Met (NM_001199919.2); c.1487G>T, p.Arg496Met (NM_001367286.1); short protein forms R537M, R565M, R496M.
Identifiers: ClinVar variation 653071 (VCV000653071.8), dbSNP rs1583239543, ClinGen allele CA364877611.